The following is an entry in ClinVar:

ClinVar aggregate classification (germline): Uncertain significance (1 of 4 stars; one submission).

Conditions:
Sterile multifocal osteomyelitis with periostitis and pustulosis. Also called: CHRONIC RECURRENT MULTIFOCAL OSTEOMYELITIS 2, WITH PERIOSTITIS AND PUSTULOSIS. Identifiers: Orphanet 210115, MedGen C2748507, MONDO:0013021, OMIM 612852.

Allele frequency attached by ClinVar (database versions not stated): TOPMed 0.00001; gnomAD exomes 0.00002.
gnomAD v4.1: 16 of 1,612,920 alleles (0.00099%); highest among the groups gnomAD compares: Non-Finnish European, 0.0013%; no homozygotes.

Submission:

Labcorp Genetics (formerly Invitae), Labcorp
Classification: Uncertain significance for Sterile multifocal osteomyelitis with periostitis and pustulosis. Last evaluated: 2021-10-20. Review status: criteria provided, single submitter. Criteria: Invitae Variant Classification Sherloc (09022015). Collection method: clinical testing. Allele origin: germline.
Comment: This sequence change replaces leucine with valine at codon 6 of the IL1RN protein (p.Leu6Val). The leucine residue is weakly conserved and there is a small physicochemical difference between leucine and valine. This variant is not present in population databases (ExAC no frequency). This variant has not been reported in the literature in individuals affected with IL1RN-related conditions. Algorithms developed to predict the effect of missense changes on protein structure and function are either unavailable or do not agree on the potential impact of this missense change (SIFT: "Tolerated"; PolyPhen-2: "Not Available"; Align-GVGD: "Class C0"). In summary, the available evidence is currently insufficient to determine the role of this variant in disease. Therefore, it has been classified as a Variant of Uncertain Significance.

NM_173841.3(IL1RN):c.16T>G (p.Leu6Val)

Gene: IL1RN (interleukin 1 receptor antagonist; plus strand). Cytogenetic location: 2q14.1.
Variant type: single nucleotide variant.
Coding change: c.16T>G on transcript NM_173841.3; coding-DNA position 16, T replaced by G.
Protein change: p.Leu6Val; replaces leucine 6 with valine.
Molecular consequence: missense variant. On other transcripts: 5 prime UTR variant (1), intron variant (2).
Genome position (GRCh38, 1-based): chr2:113,120,071, T>G. VCF-style: chr2-113120071-T-G. GRCh37 (hg19) VCF-style: chr2-113877648-T-G.
Other names: c.-267T>G (NM_001318914.2); c.-209-1377T>G (NM_173843.3); c.10+2043T>G (NM_000577.5); short protein forms L6V.
Identifiers: ClinVar variation 1413551 (VCV001413551.6), dbSNP rs1686715665, ClinGen allele CA348292553.
Genomic context (GRCh38, chr2:113,120,071, plus strand): 5'-TCTCTGGACCTCTGCTTTCTCTCTACACAATGGGGTCCCACCACTTCCCTTACAGCTGAC[T>G]TGTATGAAGAAGGAGGTGGAGGAGGAGGAGAAGGTGAAGACAATGCTGACTCAAAGGGTA-3'